The following is an entry in ClinVar:

NM_006941.4(SOX10):c.491A>C (p.His164Pro)

Genes: POLR2F (RNA polymerase II, I and III subunit F; plus strand), SOX10 (SRY-box transcription factor 10; minus strand). Cytogenetic location: 22q13.1.
Variant type: single nucleotide variant.
Coding change: c.491A>C on transcript NM_006941.4 (MANE Select); coding-DNA position 491, A replaced by C.
Protein change: p.His164Pro; replaces histidine 164 with proline.
Molecular consequence: missense variant. On other transcripts: intron variant (3).
Genome position (GRCh38, 1-based): chr22:37,978,073, T>G on the plus strand (A>C on the coding strand, the complement: SOX10 is on the minus strand). VCF-style: chr22-37978073-T-G. GRCh37 (hg19) VCF-style: chr22-38374080-T-G.
Other names: c.*38+5763T>G (NM_001363825.1); c.294-8081T>G (NM_001301130.2); c.293+10903T>G (NM_001301131.2); short protein forms H164P.
Identifiers: ClinVar variation 1484577 (VCV001484577.7), dbSNP rs2145768519, ClinGen allele CA411497944.

ClinVar aggregate classification (germline): Likely pathogenic (1 of 4 stars; one submission).

Submission:

Labcorp Genetics (formerly Invitae), Labcorp
Classification: Likely pathogenic. Last evaluated: 2022-03-09. Review status: criteria provided, single submitter. Criteria: Invitae Variant Classification Sherloc (09022015). Collection method: clinical testing. Allele origin: germline.
Comment: Algorithms developed to predict the effect of missense changes on protein structure and function are either unavailable or do not agree on the potential impact of this missense change (SIFT: "Deleterious"; PolyPhen-2: "Probably Damaging"; Align-GVGD: "Class C0"). This missense change has been observed in individual(s) with clinical features of Waardenburg syndrome (Invitae). In at least one individual the variant was observed to be de novo. This variant is not present in population databases (gnomAD no frequency). This sequence change replaces histidine, which is basic and polar, with proline, which is neutral and non-polar, at codon 164 of the SOX10 protein (p.His164Pro). In summary, the currently available evidence indicates that the variant is pathogenic, but additional data are needed to prove that conclusively. Therefore, this variant has been classified as Likely Pathogenic.